The following is an entry in ClinVar:

NM_001184.4(ATR):c.7601G>A (p.Arg2534Lys)

Gene: ATR (ATR serine/threonine kinase; minus strand). Cytogenetic location: 3q23.
Variant type: single nucleotide variant.
Coding change: c.7601G>A on transcript NM_001184.4 (MANE Select); coding-DNA position 7601, G replaced by A.
Protein change: p.Arg2534Lys; replaces arginine 2534 with lysine.
Molecular consequence: missense variant.
Genome position (GRCh38, 1-based): chr3:142,457,658, C>T on the plus strand (G>A on the coding strand, the complement: ATR is on the minus strand). VCF-style: chr3-142457658-C-T. GRCh37 (hg19) VCF-style: chr3-142176500-C-T.
Other names: c.7409G>A, p.Arg2470Lys (NM_001354579.2); short protein forms R2534K, R2470K.
Identifiers: ClinVar variation 3332048 (VCV003332048.1).

ClinVar aggregate classification (germline): Uncertain significance (1 of 4 stars; one submission).

Conditions:
Inborn genetic diseases. Identifiers: MedGen C0950123, MeSH D030342.

Submission:

Ambry Genetics
Classification: Uncertain significance for Inborn genetic diseases. Last evaluated: 2024-06-05. Review status: criteria provided, single submitter. Criteria: Ambry Variant Classification Scheme 2023. Collection method: clinical testing. Allele origin: germline.
Comment: The p.R2534K variant (also known as c.7601G>A), located in coding exon 45 of the ATR gene, results from a G to A substitution at nucleotide position 7601. The arginine at codon 2534 is replaced by lysine, an amino acid with highly similar properties. This amino acid position is conserved. In addition, this alteration is predicted to be tolerated by in silico analysis. Based on the available evidence, the clinical significance of this variant remains unclear.